The following is an entry in ClinVar:

NM_005612.5(REST):c.2263G>T (p.Val755Leu)

Gene: REST (RE1 silencing transcription factor; plus strand). Cytogenetic location: 4q12.
Variant type: single nucleotide variant.
Coding change: c.2263G>T on transcript NM_005612.5 (MANE Select); coding-DNA position 2263, G replaced by T.
Protein change: p.Val755Leu; replaces valine 755 with leucine.
Molecular consequence: missense variant.
Genome position (GRCh38, 1-based): chr4:56,931,121, G>T. VCF-style: chr4-56931121-G-T. GRCh37 (hg19) VCF-style: chr4-57797287-G-T.
Other names: c.2263G>T, p.Val755Leu (NM_001193508.2, NM_001363453.3); short protein forms V755L.
Identifiers: ClinVar variation 2571205 (VCV002571205.27), dbSNP rs945526581, ClinGen allele CA97636943.

ClinVar aggregate classification (germline): Uncertain significance (1 of 4 stars; one submission).

Allele frequency attached by ClinVar (database versions not stated): gnomAD exomes below 0.00001.
gnomAD v4.1: 2 of 1,601,986 alleles (0.00012%); highest among the groups gnomAD compares: Non-Finnish European, 0.00017%; no homozygotes.

Submission:

CeGaT Center for Human Genetics Tuebingen
Classification: Uncertain significance. Last evaluated: 2023-05-01. Review status: criteria provided, single submitter. Criteria: CeGaT Center For Human Genetics Tuebingen Variant Classification Criteria Version 2. Collection method: clinical testing. Allele origin: germline. Affected: yes. Observed: 1 variant allele.
Comment: REST: PM2, BP4